The following is an entry in ClinVar:

NM_153704.6(TMEM67):c.1337A>T (p.Asp446Val)

Gene: TMEM67 (transmembrane protein 67; plus strand). Cytogenetic location: 8q22.1.
Variant type: single nucleotide variant.
Coding change: c.1337A>T on transcript NM_153704.6 (MANE Select); coding-DNA position 1337, A replaced by T.
Protein change: p.Asp446Val; replaces aspartic acid 446 with valine.
Molecular consequence: missense variant. On other transcripts: non-coding transcript variant (1).
Genome position (GRCh38, 1-based): chr8:93,786,271, A>T. VCF-style: chr8-93786271-A-T. GRCh37 (hg19) VCF-style: chr8-94798499-A-T.
Other names: c.1094A>T, p.Asp365Val (NM_001142301.1); short protein forms D365V, D446V.
Identifiers: ClinVar variation 3369312 (VCV003369312.1).

ClinVar aggregate classification (germline): Uncertain significance (1 of 4 stars; one submission).

Submission:

GeneDx
Classification: Uncertain significance. Last evaluated: 2024-02-23. Review status: criteria provided, single submitter. Criteria: GeneDx Variant Classification Process June 2021. Collection method: clinical testing. Allele origin: germline. Affected: yes.
Comment: Has not been previously published as pathogenic or benign to our knowledge; Not observed at significant frequency in large population cohorts (gnomAD); In silico analysis supports that this missense variant has a deleterious effect on protein structure/function; In silico analysis is inconclusive as to whether the variant alters gene splicing. In the absence of RNA/functional studies, the actual effect of this sequence change is unknown.